The following is an entry in ClinVar:

ClinVar aggregate classification (germline): Uncertain significance (1 of 4 stars; one submission).

Conditions:
Neurofibromatosis, type 1 (NF1). Also called: Peripheral type neurofibromatosis; VON RECKLINGHAUSEN DISEASE; NEUROFIBROMATOSIS, TYPE I, SOMATIC; Neurofibromatosis, type I. Identifiers: Orphanet 636, MedGen C0027831, MONDO:0018975, OMIM 162200. Disease mechanism: loss of function.

Submission:

Clinical Genomics Laboratory, Washington University in St. Louis
Classification: Uncertain significance for Neurofibromatosis, type 1. Last evaluated: 2024-12-26. Review status: criteria provided, single submitter. Criteria: Leon-Quintero et al. (Clin Genet. 2025). Collection method: clinical testing. Allele origin: somatic.
Comment: An NF1 c.5959C>A (p.Gln1987Lys) variant was identified at an allelic fraction consistent with somatic origin. This variant, to our knowledge, has not been reported in the medical literature. This variant is absent from the general population (gnomAD v.4.1.0), indicating it is not a common variant. Computational predictors indicate that the variant is damaging, evidence that may correlate with impact to NF1 function. Due to limited information, and based on internally developed protocol informed by the ACMG/AMP guidelines for variant interpretation (Leon-Quintero FZ et al., PMID: 39434542), the variant is classified as a variant of uncertain significance.

NM_001042492.3(NF1):c.5959C>A (p.Gln1987Lys)

Gene: NF1 (neurofibromin 1; plus strand). Cytogenetic location: 17q11.2.
Variant type: single nucleotide variant.
Coding change: c.5959C>A on transcript NM_001042492.3 (MANE Select); coding-DNA position 5959, C replaced by A.
Protein change: p.Gln1987Lys; replaces glutamine 1987 with lysine.
Molecular consequence: missense variant.
Genome position (GRCh38, 1-based): chr17:31,334,984, C>A. VCF-style: chr17-31334984-C-A. GRCh37 (hg19) VCF-style: chr17-29662002-C-A.
Other names: c.5896C>A, p.Gln1966Lys (NM_000267.4); short protein forms Q1966K, Q1987K.
Identifiers: ClinVar variation 3774487 (VCV003774487.1).